The following is an entry in ClinVar:

NM_000361.3(THBD):c.561C>A (p.Ala187=)

Gene: THBD (thrombomodulin; minus strand). Cytogenetic location: 20p11.21.
Variant type: single nucleotide variant.
Coding change: c.561C>A on transcript NM_000361.3 (MANE Select); coding-DNA position 561, C replaced by A.
Protein change: p.Ala187=; no amino-acid change (alanine 187 retained).
Molecular consequence: synonymous variant.
Genome position (GRCh38, 1-based): chr20:23,048,944, G>T on the plus strand (C>A on the coding strand, the complement: THBD is on the minus strand). VCF-style: chr20-23048944-G-T. GRCh37 (hg19) VCF-style: chr20-23029581-G-T.
Other names: p.Ala187=.
Identifiers: ClinVar variation 2170426 (VCV002170426.8), dbSNP rs573436490, ClinGen allele CA9787720.

ClinVar aggregate classification (germline): Benign/Likely benign. Review status: criteria provided, multiple submitters, no conflicts (2 of 4 stars). 5 submissions from 5 submitters: Benign (2); Likely benign (2). 1 of the submissions does not count toward it. Last evaluated 2026-05-27.

Conditions:
THBD-related disorder. Also called: THBD-related condition.

Allele frequency attached by ClinVar (database versions not stated): 1000 Genomes Project 0.00080; ExAC 0.00085; 1000 Genomes Project 30x 0.00109.

Submissions (5):

Women's Health and Genetics/Laboratory Corporation of America, LabCorp
Classification: Benign. Last evaluated: 2026-05-27. Review status: criteria provided, single submitter. Criteria: LabCorp Variant Classification Summary - May 2015. Collection method: clinical testing. Allele origin: germline.

Labcorp Genetics (formerly Invitae), Labcorp
Classification: Benign. Last evaluated: 2025-12-28. Review status: criteria provided, single submitter. Criteria: Invitae Variant Classification Sherloc (09022015). Collection method: clinical testing. Allele origin: germline.

Mayo Clinic Laboratories, Mayo Clinic
Classification: Likely benign. Last evaluated: 2025-01-29. Review status: criteria provided, single submitter. Criteria: ACMG Guidelines, 2015. Collection method: clinical testing. Allele origin: germline. Observed: 2 variant alleles.
Comment: BS1, BP4, BP7

Blueprint Genetics
Classification: Likely benign. Last evaluated: 2024-01-25. Review status: criteria provided, single submitter. Criteria: ACMG Guidelines, 2015. Collection method: clinical testing. Allele origin: germline.

PreventionGenetics, part of Exact Sciences
Classification: Likely benign for THBD-related condition. Last evaluated: 2024-07-30. Review status: no assertion criteria provided. Collection method: clinical testing. Allele origin: germline. Not counted in ClinVar's aggregate classification.
Comment: This variant is classified as likely benign based on ACMG/AMP sequence variant interpretation guidelines (Richards et al. 2015 PMID: 25741868, with internal and published modifications).